The following is an entry in ClinVar:

ClinVar aggregate classification (germline): Uncertain significance. Review status: criteria provided, multiple submitters, no conflicts (2 of 4 stars). 6 submissions from 6 submitters: Uncertain significance (6). Last evaluated 2025-12-09.

Conditions:
Intrauterine growth retardation, metaphyseal dysplasia, adrenal hypoplasia congenita, genital anomalies, and immunodeficiency. Also called: IMAGEI SYNDROME. Identifiers: MedGen C5193036, MONDO:0032684, OMIM 618336.
Facial dysmorphism-immunodeficiency-livedo-short stature syndrome. Also called: FILS syndrome; Facial dysmorphism, immunodeficiency, livedo, and short stature. Identifiers: Orphanet 352712, MedGen C3554576, MONDO:0014058, OMIM 615139.
Colorectal cancer, susceptibility to, 12 (CRCS12). Also called: COLORECTAL CANCER, SUSCEPTIBILITY TO, ON CHROMOSOME 12q24. Identifiers: Orphanet 220460, MedGen C3554460, MONDO:0014038, OMIM 615083.
Hereditary cancer-predisposing syndrome. Also called: Tumor predisposition; Hereditary neoplastic syndrome; Hereditary Cancer Syndrome; Neoplastic Syndromes, Hereditary. Identifiers: Orphanet 140162, MedGen C0027672, MeSH D009386, MONDO:0015356.

Allele frequency attached by ClinVar (database versions not stated): gnomAD exomes below 0.00001 and 0.00001; gnomAD 0.00001; TOPMed 0.00001.
gnomAD v4.1: 10 of 1,613,882 alleles (0.00062%); highest among the groups gnomAD compares: African/African-American, 0.0027%; no homozygotes.

Submissions (6):

Labcorp Genetics (formerly Invitae), Labcorp
Classification: Uncertain significance. Last evaluated: 2025-12-09. Review status: criteria provided, single submitter. Criteria: Invitae Variant Classification Sherloc (09022015). Collection method: clinical testing. Allele origin: germline.
Comment: This sequence change replaces tyrosine, which is neutral and polar, with cysteine, which is neutral and slightly polar, at codon 1575 of the POLE protein (p.Tyr1575Cys). This variant is present in population databases (no rsID available, gnomAD 0.004%). This variant has not been reported in the literature in individuals affected with POLE-related conditions. ClinVar contains an entry for this variant (Variation ID: 577094). Invitae Evidence Modeling of protein sequence and biophysical properties (such as structural, functional, and spatial information, amino acid conservation, physicochemical variation, residue mobility, and thermodynamic stability) indicates that this missense variant is not expected to disrupt POLE protein function with a negative predictive value of 80%. In summary, the available evidence is currently insufficient to determine the role of this variant in disease. Therefore, it has been classified as a Variant of Uncertain Significance.

Ambry Genetics
Classification: Uncertain significance for Hereditary cancer-predisposing syndrome. Last evaluated: 2024-12-06. Review status: criteria provided, single submitter. Criteria: Ambry Variant Classification Scheme 2023. Collection method: clinical testing. Allele origin: germline.
Comment: The p.Y1575C variant (also known as c.4724A>G), located in coding exon 36 of the POLE gene, results from an A to G substitution at nucleotide position 4724. The tyrosine at codon 1575 is replaced by cysteine, an amino acid with highly dissimilar properties. This amino acid position is highly conserved in available vertebrate species. In addition, this alteration is predicted to be deleterious by in silico analysis. Based on the available evidence, the clinical significance of this variant remains unclear.

St. Jude Molecular Pathology, St. Jude Children's Research Hospital
Classification: Uncertain significance for Colorectal cancer, susceptibility to, 12. Last evaluated: 2023-09-08. Review status: criteria provided, single submitter. Criteria: St. Jude Assertion Criteria 2020. Collection method: clinical testing. Allele origin: germline.
Comment: The POLE c.4724A>G (p.Tyr1575Cys) missense change has a maximum subpopulation frequency of 0.004% in gnomAD v2.1.1. The in silico tool REVEL predicts a deleterious effect on protein function, but to our knowledge this prediction has not been confirmed by functional studies. To our knowledge, this variant has not been reported in the literature in individuals with POLE-related disease. In summary, the evidence currently available is insufficient to determine the clinical significance of this variant. It has therefore been classified as of uncertain significance.

Laboratorio de Genetica e Diagnostico Molecular, Hospital Israelita Albert Einstein
Classification: Uncertain significance for Colorectal cancer, susceptibility to, 12. Last evaluated: 2022-11-29. Review status: criteria provided, single submitter. Criteria: ACMG Guidelines, 2015. Collection method: clinical testing. Allele origin: germline. Affected: yes. Observed: 1 variant allele.
Comment: ACMG classification criteria: PM2 supporting, PP3 supporting

GeneDx
Classification: Uncertain significance. Last evaluated: 2022-07-20. Review status: criteria provided, single submitter. Criteria: GeneDx Variant Classification Process June 2021. Collection method: clinical testing. Allele origin: germline. Affected: yes.
Comment: Not observed at significant frequency in large population cohorts (gnomAD); In silico analysis, which includes protein predictors and evolutionary conservation, supports a deleterious effect; Has not been previously published as pathogenic or benign to our knowledge

Department of Pathology and Laboratory Medicine, Sinai Health System
Classification: Uncertain significance for Colorectal cancer, susceptibility to, 12; Facial dysmorphism-immunodeficiency-livedo-short stature syndrome; Intrauterine growth retardation, metaphyseal dysplasia, adrenal hypoplasia congenita, genital anomalies, and immunodeficiency. Last evaluated: 2022-02-01. Review status: criteria provided, single submitter. Criteria: ACMG Guidelines, 2015. Collection method: research. Allele origin: germline.

NM_006231.4(POLE):c.4724A>G (p.Tyr1575Cys)

Gene: POLE (DNA polymerase epsilon, catalytic subunit; minus strand). Cytogenetic location: 12q24.33.
Variant type: single nucleotide variant.
Coding change: c.4724A>G on transcript NM_006231.4 (MANE Select); coding-DNA position 4724, A replaced by G.
Protein change: p.Tyr1575Cys; replaces tyrosine 1575 with cysteine.
Molecular consequence: missense variant.
Genome position (GRCh38, 1-based): chr12:132,642,824, T>C on the plus strand (A>G on the coding strand, the complement: POLE is on the minus strand). VCF-style: chr12-132642824-T-C. GRCh37 (hg19) VCF-style: chr12-133219410-T-C.
Other names: c.4724A>G (NM_006231.2); short protein forms Y1575C.
Identifiers: ClinVar variation 577094 (VCV000577094.15), dbSNP rs1008362127, ClinGen allele CA246303888.